The following is an entry in ClinVar:

NM_001367479.1(DNAH14):c.2293C>T (p.Arg765Cys)

Gene: DNAH14 (dynein axonemal heavy chain 14; plus strand). Cytogenetic location: 1q42.12.
Variant type: single nucleotide variant.
Coding change: c.2293C>T on transcript NM_001367479.1 (MANE Select); coding-DNA position 2293, C replaced by T.
Protein change: p.Arg765Cys; replaces arginine 765 with cysteine.
Molecular consequence: missense variant.
Genome position (GRCh38, 1-based): chr1:225,051,664, C>T. VCF-style: chr1-225051664-C-T. GRCh37 (hg19) VCF-style: chr1-225239366-C-T.
Other names: NM_001373.1:c.2293C>T; short protein forms R765C.
Identifiers: ClinVar variation 3378331 (VCV003378331.2).

ClinVar aggregate classification (germline): Uncertain significance. Review status: criteria provided, multiple submitters, no conflicts (2 of 4 stars). 2 submissions from 2 submitters: Uncertain significance (2). Last evaluated 2025-11-19.

gnomAD v4.1: 15 of 1,550,538 alleles (0.00097%); highest among the groups gnomAD compares: East Asian, 0.0025%; no homozygotes.

Submissions (2):

Greenwood Genetic Center Diagnostic Laboratories, Greenwood Genetic Center
Classification: Uncertain significance. Last evaluated: 2025-11-19. Review status: criteria provided, single submitter. Criteria: ACMG Guidelines, 2015. Collection method: clinical testing. Allele origin: germline. Affected: yes.
Comment: Gene of Uncertain Significance

GeneDx
Classification: Uncertain significance. Last evaluated: 2024-05-16. Review status: criteria provided, single submitter. Criteria: GeneDx Variant Classification Process June 2021. Collection method: clinical testing. Allele origin: germline. Affected: yes.
Comment: In silico analysis supports that this missense variant has a deleterious effect on protein structure/function; Has not been previously published as pathogenic or benign to our knowledge